The following continues an entry in ClinVar:

NM_002878.4(RAD51D):c.694C>T (p.Arg232Ter)

ClinVar aggregate classification (germline): Pathogenic/Likely pathogenic. Pathogenic (28); Likely pathogenic (2).

Submissions 11 to 36 of 36:

Women's Health and Genetics/Laboratory Corporation of America, LabCorp
Classification: Pathogenic for Hereditary breast ovarian cancer syndrome. Last evaluated: 2024-11-27. Review status: criteria provided, single submitter. Criteria: LabCorp Variant Classification Summary - May 2015. Collection method: clinical testing. Allele origin: germline.
Comment: Variant summary: RAD51D c.694C>T (p.Arg232X) results in a premature termination codon, predicted to cause a truncation of the encoded protein or absence of the protein due to nonsense mediated decay, which are commonly known mechanisms for disease. The variant allele was found at a frequency of 1.2e-05 in 248280 control chromosomes. c.694C>T has been reported in the literature in multiple individuals affected with Hereditary Breast and Ovarian Cancer (examples: Wickramanayake_2012, Gutierrez-Enriquez_2014, Janatova_2015, Gonzalez-Rivera_2016, Tedaldi_2017). These data indicate that the variant is very likely to be associated with disease. The following publications have been ascertained in the context of this evaluation (PMID: 27083178, 24130102, 26057125, 28423363, 22986143, 27083178, 26659639, 28423363). ClinVar contains an entry for this variant (Variation ID: 127893). Based on the evidence outlined above, the variant was classified as pathogenic.

Catlab - Consorci Sanitari de Terrassa
Classification: Pathogenic for Hereditary cancer-predisposing syndrome. Last evaluated: 2024-11-07. Review status: criteria provided, single submitter. Criteria: ACMG Guidelines, 2015. Collection method: clinical testing. Allele origin: germline.
Comment: Based on currently available information, this variant should be considered as Pathogenic according to ACMG Richards 2015 guidelines. PVS1, PS4.

Color Diagnostics, LLC DBA Color Health
Classification: Pathogenic for Hereditary cancer-predisposing syndrome. Last evaluated: 2024-07-15. Review status: criteria provided, single submitter. Criteria: ACMG Guidelines, 2015. Collection method: clinical testing. Allele origin: germline.
Comment: This variant changes 1 nucleotide in exon 8 of the RAD51D gene, creating a premature translation stop signal. This variant is expected to result in an absent or non-functional protein product. This variant has been observed in individuals affected with ovarian cancer (PMID: 22986143, 24130102, 26057125, 28423363). In a large breast cancer case-control study, this variant was identified in 12/60454 cases and 5/53456 controls (OR=2.122, 95%CI 0.748 to 6.024, p-value=0.223; PMID: 33471991; Leiden Open Variation Database DB-ID RAD51D_000003). This variant has been identified in 4/277224 chromosomes in the general population by the Genome Aggregation Database (gnomAD). Loss of RAD51D function is a known mechanism of disease. Based on the available evidence, this variant is classified as Pathogenic.

CeGaT Center for Human Genetics Tuebingen
Classification: Pathogenic. Last evaluated: 2024-04-01. Review status: criteria provided, single submitter. Criteria: CeGaT Center For Human Genetics Tuebingen Variant Classification Criteria Version 2. Collection method: clinical testing. Allele origin: germline. Affected: yes. Observed: 3 variant alleles.
Comment: RAD51D: PVS1, PM2, PS4:Moderate

Baylor Genetics
Classification: Pathogenic for Breast-ovarian cancer, familial, susceptibility to, 4. Last evaluated: 2024-03-28. Review status: criteria provided, single submitter. Criteria: ACMG Guidelines, 2015. Collection method: clinical testing. Allele origin: unknown.

Blueprint Genetics
Classification: Pathogenic for RAD51D-related disorders. Last evaluated: 2023-12-08. Review status: criteria provided, single submitter. Criteria: ACMG Guidelines, 2015. Collection method: clinical testing. Allele origin: germline. Affected: yes. Observed: 5 variant alleles.

GeneDx
Classification: Pathogenic. Last evaluated: 2023-05-26. Review status: criteria provided, single submitter. Criteria: GeneDx Variant Classification Process June 2021. Collection method: clinical testing. Allele origin: germline. Affected: yes.
Comment: Nonsense variant predicted to result in protein truncation or nonsense mediated decay in a gene for which loss-of-function is a known mechanism of disease; Not observed at significant frequency in large population cohorts (gnomAD); Observed in individuals with RAD51D-related cancers (Gutierrez-Enriquez et al., 2014; Wickramanayake et al., 2012; Janatova et al., 2015; Gonzalez-Rivera et al., 2016; Lilyquist et al., 2017; Tedaldi et al., 2017; Sanchez-Bermudez et al., 2018; Suszynska et al., 2020; Hauke et al., 2021); This variant is associated with the following publications: (PMID: 28423363, 28985766, 25445424, 24130102, 22986143, 26057125, 26720728, 27083178, 26681312, 29409816, 29470806, 24240112, 31589614, 32295079, 26689913, 30306255, 32318955, 32107557, 32359370, 29522266, 32980694, 34923718, 28888541, 35264596, 35565380, 33804961, 34308104)

Department of Pathology and Laboratory Medicine, Sinai Health System
Classification: Pathogenic for Hereditary breast ovarian cancer syndrome. Last evaluated: 2023-05-15. Review status: criteria provided, single submitter. Criteria: ACMG Guidelines, 2015. Collection method: clinical testing. Allele origin: germline. Affected: yes.

Myriad Genetics, Inc.
Classification: Pathogenic for Breast-ovarian cancer, familial, susceptibility to, 4. Last evaluated: 2023-04-06. Review status: criteria provided, single submitter. Criteria: Myriad Autosomal Dominant, Autosomal Recessive and X-Linked Classification Criteria (2023). Collection method: clinical testing. Allele origin: unknown.
Comment: This variant is considered pathogenic. This variant creates a termination codon and is predicted to result in premature protein truncation.

MGZ Medical Genetics Center
Classification: Pathogenic for Breast-ovarian cancer, familial, susceptibility to, 4. Last evaluated: 2022-01-31. Review status: criteria provided, single submitter. Criteria: ACMG Guidelines, 2015. Collection method: clinical testing. Allele origin: germline. Affected: yes. Observed: 1 variant allele.
Comment: ACMG criteria applied: PVS1, PS4_MOD, PM2_SUP

Human Genetics Bochum, Ruhr University Bochum
Classification: Pathogenic for Colorectal cancer. Last evaluated: 2022-01-04. Review status: criteria provided, single submitter. Criteria: ACMG Guidelines, 2015. Collection method: clinical testing. Allele origin: germline. Affected: yes.
Comment: ACMG criteria used to clasify this variant: PVS1, PS4, PM2

Institute for Clinical Genetics, University Hospital TU Dresden, University Hospital TU Dresden
Classification: Pathogenic. Last evaluated: 2021-11-03. Review status: criteria provided, single submitter. Criteria: ACMG Guidelines, 2015. Collection method: clinical testing. Allele origin: germline.

Sema4
Classification: Pathogenic for Hereditary cancer-predisposing syndrome. Last evaluated: 2021-07-16. Review status: criteria provided, single submitter. Criteria: Sema4 Curation Guidelines. Collection method: curation. Allele origin: germline.
Comment: The RAD51D c.694C>T (p.R232*) variant has been reported in at least 4 individuals with breast and/or ovarian cancer (PMID: 22986143, 26681312, 28423363, 29409816). This nonsense variant creates a premature stop codon at residue 232 of the RAD51D protein. At this location, this is predicted to result in absent protein (loss of function). This variant was observed in 4/126578 chromosomes in the European (non-Finnish) population, with no homozygotes, according to the Genome Aggregation Database (PMID: 27535533). Based on the current evidence available, this variant is interpreted as pathogenic.

Laboratory of Medical Genetics Unit, Bambino Gesù Children's Hospital
Classification: Likely pathogenic for Diffuse midline glioma, H3 K27-altered. Last evaluated: 2020-10-08. Review status: criteria provided, single submitter. Criteria: ACMG Guidelines, 2015. Collection method: research. Allele origin: germline. Affected: yes. Observed: 1 heterozygote.

Fulgent Genetics
Classification: Pathogenic for Breast-ovarian cancer, familial, susceptibility to, 4. Last evaluated: 2018-10-31. Review status: criteria provided, single submitter. Criteria: ACMG Guidelines, 2015. Collection method: clinical testing. Allele origin: unknown.

Mendelics
Classification: Pathogenic for Hereditary breast and ovarian cancer syndrome. Last evaluated: 2018-07-02. Review status: criteria provided, single submitter. Criteria: Mendelics Assertion Criteria 2017. Collection method: clinical testing. Allele origin: unknown.

Quest Diagnostics Nichols Institute San Juan Capistrano
Classification: Pathogenic. Last evaluated: 2018-03-07. Review status: criteria provided, single submitter. Criteria: Quest Diagnostics criteria. Collection method: clinical testing. Allele origin: germline.

Genesis Genomics
Classification: Pathogenic for Breast-ovarian cancer, familial, susceptibility to, 4. Review status: criteria provided, single submitter. Criteria: ACMG Guidelines, 2015. Collection method: clinical testing. Allele origin: germline. Affected: yes. Observed: 3 variant alleles. Clinical features observed: Breast cancer.

Juno Genomics, Hangzhou Juno Genomics, Inc
Classification: Pathogenic for Breast-ovarian cancer, familial, susceptibility to, 4. Review status: criteria provided, single submitter. Criteria: ACMG Guidelines, 2015. Collection method: clinical testing. Allele origin: germline.
Comment: Absent from controls (or at extremely low frequency if recessive) in Genome Aggregation Database.;Null variant in a gene where loss of function (LOF) is a known mechanism of disease.;The prevalence of the variant in affected individuals is significantly increased compared to the prevalence in controls.

University Health Network, Familial Cancer Clinic, Princess Margaret Cancer Centre
Classification: Pathogenic for RAD51C-related cancer predisposition. Review status: criteria provided, single submitter. Criteria: ACMG Guidelines, 2015. Collection method: clinical testing. Allele origin: germline. Inheritance: Autosomal dominant inheritance. Affected: yes. Observed: 1 variant allele.

Laboratory for Genotyping Development, RIKEN
Classification: Pathogenic for Gastric cancer. Last evaluated: 2021-07-01. Review status: no assertion criteria provided. Collection method: research. Allele origin: germline. Not counted in ClinVar's aggregate classification.

CZECANCA consortium
Classification: Pathogenic for Breast and/or ovarian cancer. Last evaluated: 2019-06-11. Review status: no assertion criteria provided. Collection method: clinical testing. Allele origin: germline. Affected: yes. Observed: 3 variant alleles. Not counted in ClinVar's aggregate classification.

German Consortium for Hereditary Breast and Ovarian Cancer, University Hospital Cologne
Classification: Pathogenic for Ovarian neoplasm. Last evaluated: 2018-12-01. Review status: no assertion criteria provided. Collection method: research. Allele origin: germline. Affected: yes. Not counted in ClinVar's aggregate classification.

Counsyl
Classification: Pathogenic for Breast-ovarian cancer, familial, susceptibility to, 4. Last evaluated: 2016-08-02. Review status: no assertion criteria provided. Collection method: clinical testing. Allele origin: unknown. Not counted in ClinVar's aggregate classification.

Clinical Genetics DNA and cytogenetics Diagnostics Lab, Erasmus MC, Erasmus Medical Center
Classification: Pathogenic. Review status: no assertion criteria provided. Collection method: clinical testing. Allele origin: germline. Affected: yes. Study: VKGL Data-share Consensus. Not counted in ClinVar's aggregate classification.

Joint Genome Diagnostic Labs from Nijmegen and Maastricht, Radboudumc and MUMC+
Classification: Pathogenic. Review status: no assertion criteria provided. Collection method: clinical testing. Allele origin: germline. Affected: yes. Study: VKGL Data-share Consensus. Not counted in ClinVar's aggregate classification.

Literature cited by the submitters: PubMed 22986143 (cited by 8 submitters); PubMed 24130102 (cited by 7 submitters); PubMed 26057125 (cited by 6 submitters); PubMed 26681312 (cited by 4 submitters); PubMed 27083178 (cited by 4 submitters); PubMed 28423363 (cited by 6 submitters); PubMed 21822267 (cited by Labcorp Genetics (formerly Invitae), Labcorp); PubMed 25445424 (cited by Ambry Genetics); PubMed 32359370 (cited by Ambry Genetics); PubMed 26659639 (cited by Women's Health and Genetics/Laboratory Corporation of America, LabCorp); PubMed 29409816 (cited by Sema4); PubMed 36988593 (cited by Laboratory for Genotyping Development, RIKEN); PubMed 32295079 (cited by CZECANCA consortium).